The following is an entry in ClinVar:

NM_001379500.1(COL18A1):c.691G>A (p.Val231Met)

Gene: COL18A1 (collagen type XVIII alpha 1 chain; plus strand). Cytogenetic location: 21q22.3.
Variant type: single nucleotide variant.
Coding change: c.691G>A on transcript NM_001379500.1 (MANE Select); coding-DNA position 691, G replaced by A.
Protein change: p.Val231Met; replaces valine 231 with methionine.
Molecular consequence: missense variant.
Genome position (GRCh38, 1-based): chr21:45,473,934, G>A. VCF-style: chr21-45473934-G-A. GRCh37 (hg19) VCF-style: chr21-46893848-G-A.
Other names: NM_130445.2:c.691G>A; c.1231G>A (NM_030582.3); c.1231G>A, p.Val411Met (NM_030582.4); c.1936G>A, p.Val646Met (NM_130444.3); short protein forms V411M, V646M.
Identifiers: ClinVar variation 340200 (VCV000340200.29), dbSNP rs202012055, ClinGen allele CA10065850.

ClinVar aggregate classification (germline): Conflicting classifications of pathogenicity. Review status: criteria provided, conflicting classifications (1 of 4 stars). 5 submissions from 5 submitters: Uncertain significance (1); Likely benign (3). 1 of the submissions does not count toward it. Last evaluated 2026-07-01.

Conditions:
Knobloch syndrome (KNO). Also called: Myopia retinal detachment encephalocele; RETINAL DETACHMENT AND OCCIPITAL ENCEPHALOCELE. Identifiers: Orphanet 1571, MedGen C1849409, MONDO:0800166.
COL18A1-related disorder. Also called: COL18A1-related condition; COL18A1-related disorders.

Allele frequency attached by ClinVar (database versions not stated): 1000 Genomes Project 30x 0.00047; 1000 Genomes Project 0.00060; gnomAD 0.00105 and 0.00106; TOPMed 0.00107; ESP Exome Variant Server 0.00120.
gnomAD v4.1: 2,314 of 1,606,500 alleles (0.14%); highest among the groups gnomAD compares: Non-Finnish European, 0.17%; 7 homozygotes.

Submissions (5):

CeGaT Center for Human Genetics Tuebingen
Classification: Likely benign. Last evaluated: 2026-07-01. Review status: criteria provided, single submitter. Criteria: CeGaT Center For Human Genetics Tuebingen Variant Classification Criteria Version 2. Collection method: clinical testing. Allele origin: germline. Affected: yes. Observed: 2 variant alleles.
Comment: COL18A1: BS2

Labcorp Genetics (formerly Invitae), Labcorp
Classification: Likely benign. Last evaluated: 2026-01-26. Review status: criteria provided, single submitter. Criteria: Invitae Variant Classification Sherloc (09022015). Collection method: clinical testing. Allele origin: germline.

Blueprint Genetics
Classification: Likely benign. Last evaluated: 2024-11-22. Review status: criteria provided, single submitter. Criteria: ACMG Guidelines, 2015. Collection method: clinical testing. Allele origin: germline.

Illumina Laboratory Services, Illumina
Classification: Uncertain significance for Knobloch syndrome 1. Last evaluated: 2018-01-13. Review status: criteria provided, single submitter. Criteria: ICSL Variant Classification Criteria 13 December 2019. Collection method: clinical testing. Allele origin: germline.

PreventionGenetics, part of Exact Sciences
Classification: Likely benign for COL18A1-related condition. Last evaluated: 2022-08-09. Review status: no assertion criteria provided. Collection method: clinical testing. Allele origin: germline. Not counted in ClinVar's aggregate classification.
Comment: This variant is classified as likely benign based on ACMG/AMP sequence variant interpretation guidelines (Richards et al. 2015 PMID: 25741868, with internal and published modifications).